The following is an entry in ClinVar:

ClinVar aggregate classification (germline): Uncertain significance. Review status: criteria provided, multiple submitters, no conflicts (2 of 4 stars). 6 submissions from 4 submitters: Uncertain significance (6). Last evaluated 2025-11-12.

Conditions:
Cardiovascular phenotype. Identifiers: MedGen CN230736.
Atrial fibrillation, familial, 9 (ATFB9). Identifiers: MedGen C3151431, MONDO:0013513, OMIM 613980.
Andersen Tawil syndrome (LQT7). Also called: ANDERSEN CARDIODYSRHYTHMIC PERIODIC PARALYSIS; LONG QT SYNDROME 7; PERIODIC PARALYSIS, POTASSIUM-SENSITIVE CARDIODYSRHYTHMIC TYPE; Andersen Syndrome; Potassium-sensitive periodic paralysis, ventricular ectopy, and dysmorphic features. Identifiers: Orphanet 37553, MedGen C1563715, MONDO:0008222, OMIM 170390.
Short QT syndrome type 3. Identifiers: Orphanet 51083, MedGen C1865018, MONDO:0012314, OMIM 609622.

Allele frequency attached by ClinVar (database versions not stated): gnomAD 0.00001 and 0.00003; gnomAD exomes 0.00001; TOPMed 0.00001; ExAC 0.00002; 1000 Genomes Project 30x 0.00016; 1000 Genomes Project 0.00020.

Submissions (6):

Ambry Genetics
Classification: Uncertain significance for Cardiovascular phenotype. Last evaluated: 2025-11-12. Review status: criteria provided, single submitter. Criteria: Ambry Variant Classification Scheme 2023. Collection method: clinical testing. Allele origin: germline.
Comment: The p.R8C variant (also known as c.22C>T), located in coding exon 1 of the KCNJ2 gene, results from a C to T substitution at nucleotide position 22. The arginine at codon 8 is replaced by cysteine, an amino acid with highly dissimilar properties. This amino acid position is highly conserved in available vertebrate species. In addition, the in silico prediction for this alteration is inconclusive. Based on the available evidence, the clinical significance of this variant remains unclear.

Women's Health and Genetics/Laboratory Corporation of America, LabCorp
Classification: Uncertain significance. Last evaluated: 2024-02-25. Review status: criteria provided, single submitter. Criteria: LabCorp Variant Classification Summary - May 2015. Collection method: clinical testing. Allele origin: germline.

Labcorp Genetics (formerly Invitae), Labcorp
Classification: Uncertain significance for Short QT syndrome type 3; Andersen Tawil syndrome. Last evaluated: 2023-12-14. Review status: criteria provided, single submitter. Criteria: Invitae Variant Classification Sherloc (09022015). Collection method: clinical testing. Allele origin: germline.
Comment: This sequence change replaces arginine, which is basic and polar, with cysteine, which is neutral and slightly polar, at codon 8 of the KCNJ2 protein (p.Arg8Cys). This variant is present in population databases (rs529080615, gnomAD 0.004%). This variant has not been reported in the literature in individuals affected with KCNJ2-related conditions. ClinVar contains an entry for this variant (Variation ID: 890665). An algorithm developed to predict the effect of missense changes on protein structure and function (PolyPhen-2) suggests that this variant is likely to be disruptive. In summary, the available evidence is currently insufficient to determine the role of this variant in disease. Therefore, it has been classified as a Variant of Uncertain Significance.

Illumina Laboratory Services, Illumina
Classification: Uncertain significance for Short QT syndrome type 3. Last evaluated: 2018-01-13. Review status: criteria provided, single submitter. Criteria: ICSL Variant Classification Criteria 13 December 2019. Collection method: clinical testing. Allele origin: germline.

Illumina Laboratory Services, Illumina
Classification: Uncertain significance for Atrial fibrillation, familial, 9. Last evaluated: 2018-01-13. Review status: criteria provided, single submitter. Criteria: ICSL Variant Classification Criteria 13 December 2019. Collection method: clinical testing. Allele origin: germline.

Illumina Laboratory Services, Illumina
Classification: Uncertain significance for Andersen Tawil syndrome. Last evaluated: 2018-01-13. Review status: criteria provided, single submitter. Criteria: ICSL Variant Classification Criteria 13 December 2019. Collection method: clinical testing. Allele origin: germline.

NM_000891.3(KCNJ2):c.22C>T (p.Arg8Cys)

Gene: KCNJ2 (potassium inwardly rectifying channel subfamily J member 2; plus strand). Cytogenetic location: 17q24.3.
Variant type: single nucleotide variant.
Coding change: c.22C>T on transcript NM_000891.3 (MANE Select); coding-DNA position 22, C replaced by T.
Protein change: p.Arg8Cys; replaces arginine 8 with cysteine.
Molecular consequence: missense variant.
Genome position (GRCh38, 1-based): chr17:70,175,061, C>T. VCF-style: chr17-70175061-C-T. GRCh37 (hg19) VCF-style: chr17-68171202-C-T.
Other names: short protein forms R8C.
Identifiers: ClinVar variation 890665 (VCV000890665.13), dbSNP rs529080615, ClinGen allele CA8738680.